The following is an entry in ClinVar:

ClinVar aggregate classification (germline): Pathogenic/Likely pathogenic. Review status: criteria provided, multiple submitters, no conflicts (2 of 4 stars). 2 submissions from 2 submitters: Pathogenic (1); Likely pathogenic (1). Last evaluated 2025-05-01.

Conditions:
Long QT syndrome (LQTS). Identifiers: MedGen C0023976, MeSH D008133, MONDO:0002442. Disease mechanism: loss of function. Inheritance: Various modes of inheritance.

Allele frequency attached by ClinVar (database versions not stated): gnomAD exomes below 0.00001.
gnomAD v4.1: 1 of 1,614,144 alleles (0.000062%); highest among the groups gnomAD compares: South Asian, 0.0011%; no homozygotes.

Submissions (2):

Labcorp Genetics (formerly Invitae), Labcorp
Classification: Pathogenic for Long QT syndrome. Last evaluated: 2025-05-01. Review status: criteria provided, single submitter. Criteria: Invitae Variant Classification Sherloc (09022015). Collection method: clinical testing. Allele origin: germline.
Comment: This sequence change creates a premature translational stop signal (p.Trp71*) in the CAV3 gene. While this is not anticipated to result in nonsense mediated decay, it is expected to disrupt the last 81 amino acid(s) of the CAV3 protein. This variant is not present in population databases (gnomAD no frequency). This premature translational stop signal has been observed in individual(s) with clinical features of autosomal recessive limb-girdle muscular dystrophy (PMID: 17537631). ClinVar contains an entry for this variant (Variation ID: 1331366). Algorithms developed to predict the effect of sequence changes on RNA splicing suggest that this variant may create or strengthen a splice site. This variant disrupts a region of the CAV3 protein in which other variant(s) (p.Ala93Thr) have been determined to be pathogenic (PMID: 12666119, 15668980, 19697367, 27184587). This suggests that this is a clinically significant region of the protein, and that variants that disrupt it are likely to be disease-causing. For these reasons, this variant has been classified as Pathogenic.

Women's Health and Genetics/Laboratory Corporation of America, LabCorp
Classification: Likely pathogenic for Long QT syndrome. Last evaluated: 2021-12-06. Review status: criteria provided, single submitter. Criteria: LabCorp Variant Classification Summary - May 2015. Collection method: clinical testing. Allele origin: germline.
Comment: Variant summary: CAV3 c.213G>A (p.Trp71X) results in a premature termination codon, located in exon 2 (i.e. in the last exon) that is not expected to cause nonsense mediated decay (NMD), but is predicted to cause a truncation of the encoded protein. The variant was absent in 251174 control chromosomes (gnomAD). A different variant resulting in the same nonsense change at the protein level, c.212G>A (p.Trp71X), has been reported in a homozygous patient who was affected with rippling muscle disease (RMD), however, the electrocardiogram and cardiac sonogram were normal for this patient (Ueyama_2007). Though RMD is usually transmitted in an autosomal-dominant manner, other loss-of-function variants in the CAV3 gene have also been reported in individuals affected with recessive RMD (e.g. PMID: 16730439, 21294223, 18487559). These data indicate that the variant maybe be associated with disease. No clinical diagnostic laboratories have submitted clinical-significance assessments for this variant to ClinVar after 2014. Based on the evidence outlined above, the variant was classified as likely pathogenic for autosomal recessive RMD phenotype.

Literature cited by the submitters: PubMed 17537631 (cited by Labcorp Genetics (formerly Invitae), Labcorp and Women's Health and Genetics/Laboratory Corporation of America, LabCorp); PubMed 12666119 (cited by Labcorp Genetics (formerly Invitae), Labcorp); PubMed 15668980 (cited by Labcorp Genetics (formerly Invitae), Labcorp); PubMed 19697367 (cited by Labcorp Genetics (formerly Invitae), Labcorp); PubMed 27184587 (cited by Labcorp Genetics (formerly Invitae), Labcorp).

NM_033337.3(CAV3):c.213G>A (p.Trp71Ter)

Genes: CAV3 (caveolin 3; plus strand), OXTR (oxytocin receptor; minus strand). Cytogenetic location: 3p25.3.
Variant type: single nucleotide variant.
Coding change: c.213G>A on transcript NM_033337.3 (MANE Select); coding-DNA position 213, G replaced by A.
Protein change: p.Trp71Ter; replaces tryptophan 71 with a stop codon.
Molecular consequence: nonsense.
Genome position (GRCh38, 1-based): chr3:8,745,624, G>A. VCF-style: chr3-8745624-G-A. GRCh37 (hg19) VCF-style: chr3-8787310-G-A.
Other names: c.213G>A, p.Trp71Ter (NM_001234.5); short protein forms W71*.
Identifiers: ClinVar variation 1331366 (VCV001331366.3), dbSNP rs2124988406, ClinGen allele CA351663308.